The following is an entry in ClinVar:

NM_015937.6(PIGT):c.1267C>G (p.Leu423Val)

Gene: PIGT (phosphatidylinositol glycan anchor biosynthesis class T; plus strand). Cytogenetic location: 20q13.12.
Variant type: single nucleotide variant.
Coding change: c.1267C>G on transcript NM_015937.6 (MANE Select); coding-DNA position 1267, C replaced by G.
Protein change: p.Leu423Val; replaces leucine 423 with valine.
Molecular consequence: missense variant. On other transcripts: non-coding transcript variant (5).
Genome position (GRCh38, 1-based): chr20:45,424,248, C>G. VCF-style: chr20-45424248-C-G. GRCh37 (hg19) VCF-style: chr20-44052888-C-G.
Other names: c.1099C>G, p.Leu367Val (NM_001184728.3); c.1066C>G, p.Leu356Val (NM_001184729.3); c.961C>G, p.Leu321Val (NM_001184730.3); short protein forms L367V, L423V, L321V, L356V.
Identifiers: ClinVar variation 1472240 (VCV001472240.8), dbSNP rs957114414, ClinGen allele CA315578475.

ClinVar aggregate classification (germline): Uncertain significance (1 of 4 stars; one submission).

Conditions:
Multiple congenital anomalies-hypotonia-seizures syndrome 3 (MCAHS3). Also called: GLYCOSYLPHOSPHATIDYLINOSITOL BIOSYNTHESIS DEFECT 7. Identifiers: Orphanet 369837, MedGen C3809356, MONDO:0014165, OMIM 615398.

Allele frequency attached by ClinVar (database versions not stated): gnomAD exomes below 0.00001; gnomAD 0.00001; TOPMed 0.00001.

Submission:

Labcorp Genetics (formerly Invitae), Labcorp
Classification: Uncertain significance for Multiple congenital anomalies-hypotonia-seizures syndrome 3. Last evaluated: 2021-05-22. Review status: criteria provided, single submitter. Criteria: Invitae Variant Classification Sherloc (09022015). Collection method: clinical testing. Allele origin: germline.
Comment: This sequence change replaces leucine with valine at codon 423 of the PIGT protein (p.Leu423Val). The leucine residue is weakly conserved and there is a small physicochemical difference between leucine and valine. In summary, the available evidence is currently insufficient to determine the role of this variant in disease. Therefore, it has been classified as a Variant of Uncertain Significance. Algorithms developed to predict the effect of missense changes on protein structure and function (SIFT, PolyPhen-2, Align-GVGD) all suggest that this variant is likely to be tolerated, but these predictions have not been confirmed by published functional studies and their clinical significance is uncertain. This variant has not been reported in the literature in individuals with PIGT-related conditions. This variant is not present in population databases (ExAC no frequency).